The following is an entry in ClinVar:

ClinVar aggregate classification (germline): Uncertain significance (1 of 4 stars; one submission).

Conditions:
TUBGCP2-related disorder. Also called: TUBGCP2-related condition.

Allele frequency attached by ClinVar (database versions not stated): gnomAD 0.00003; TOPMed 0.00004; ESP Exome Variant Server 0.00015.
gnomAD v4.1: 92 of 1,605,252 alleles (0.0057%); highest among the groups gnomAD compares: South Asian, 0.012%; no homozygotes.

Submission:

PreventionGenetics, part of Exact Sciences
Classification: Uncertain significance for TUBGCP2-related condition. Last evaluated: 2023-03-29. Review status: criteria provided, single submitter. Criteria: ACMG Guidelines, 2015. Collection method: clinical testing. Allele origin: germline.
Comment: The TUBGCP2 c.2403C>T variant is not predicted to result in an amino acid change (p.=). To our knowledge, this variant has not been reported in the literature. This variant is reported in 0.010% of alleles in individuals of South Asian descent in gnomAD. At this time, the clinical significance of this variant is uncertain due to the absence of conclusive functional and genetic evidence.

NM_006659.4(TUBGCP2):c.2319C>T (p.Gly773=)

Gene: TUBGCP2 (tubulin gamma complex component 2; minus strand). Cytogenetic location: 10q26.3.
Variant type: single nucleotide variant.
Coding change: c.2319C>T on transcript NM_006659.4 (MANE Select); coding-DNA position 2319, C replaced by T.
Protein change: p.Gly773=; no amino-acid change (glycine 773 retained).
Molecular consequence: synonymous variant. On other transcripts: non-coding transcript variant (1).
Genome position (GRCh38, 1-based): chr10:133,282,313, G>A on the plus strand (C>T on the coding strand, the complement: TUBGCP2 is on the minus strand). VCF-style: chr10-133282313-G-A. GRCh37 (hg19) VCF-style: chr10-135095817-G-A.
Other names: c.2403C>T, p.Gly801= (NM_001256617.2); c.1929C>T, p.Gly643= (NM_001256618.2).
Identifiers: ClinVar variation 2634324 (VCV002634324.1), dbSNP rs367838838, ClinGen allele CA5763548.